The following is an entry in ClinVar:

NM_194454.3(KRIT1):c.2061G>A (p.Met687Ile)

Gene: KRIT1 (KRIT1 ankyrin repeat containing; minus strand). Cytogenetic location: 7q21.2.
Variant type: single nucleotide variant.
Coding change: c.2061G>A on transcript NM_194454.3 (MANE Select); coding-DNA position 2061, G replaced by A.
Protein change: p.Met687Ile; replaces methionine 687 with isoleucine.
Molecular consequence: missense variant.
Genome position (GRCh38, 1-based): chr7:92,201,388, C>T on the plus strand (G>A on the coding strand, the complement: KRIT1 is on the minus strand). VCF-style: chr7-92201388-C-T. GRCh37 (hg19) VCF-style: chr7-91830702-C-T.
Other names: c.1917G>A, p.Met639Ile (NM_001013406.2, NM_001350669.1, NM_001350670.1); c.1347G>A, p.Met449Ile (NM_001350671.1); c.2061G>A, p.Met687Ile (NM_001350672.1, NM_001350673.1, NM_001350674.1 and 26 more transcripts); short protein forms M687I, M639I, M449I.
Identifiers: ClinVar variation 2169757 (VCV002169757.4), dbSNP rs756398171, ClinGen allele CA4338962.

ClinVar aggregate classification (germline): Uncertain significance (1 of 4 stars; one submission).

Conditions:
Cerebral cavernous malformation (CCM). Also called: CAVERNOUS ANGIOMA, FAMILIAL; CAVERNOUS ANGIOMATOUS MALFORMATIONS; CEREBRAL CAPILLARY MALFORMATIONS; Cavernous Hemangioma of Brain; Cerebral cavernous malformations; Cerebral cavernous hemangioma (type). Identifiers: Orphanet 221061, MedGen C2919945, MONDO:0000820, OMIM 116860, HP:0033522.

Allele frequency attached by ClinVar (database versions not stated): ExAC 0.00002.

Submission:

Labcorp Genetics (formerly Invitae), Labcorp
Classification: Uncertain significance for Cerebral cavernous malformation. Last evaluated: 2022-08-30. Review status: criteria provided, single submitter. Criteria: Invitae Variant Classification Sherloc (09022015). Collection method: clinical testing. Allele origin: germline.
Comment: In summary, the available evidence is currently insufficient to determine the role of this variant in disease. Therefore, it has been classified as a Variant of Uncertain Significance. Algorithms developed to predict the effect of missense changes on protein structure and function (SIFT, PolyPhen-2, Align-GVGD) all suggest that this variant is likely to be tolerated. This variant has not been reported in the literature in individuals affected with KRIT1-related conditions. This variant is present in population databases (rs756398171, gnomAD 0.01%). This sequence change replaces methionine, which is neutral and non-polar, with isoleucine, which is neutral and non-polar, at codon 687 of the KRIT1 protein (p.Met687Ile).